The following is an entry in ClinVar:

NM_021615.5(CHST6):c.747C>A (p.His249Gln)

Gene: CHST6 (carbohydrate sulfotransferase 6; minus strand). Cytogenetic location: 16q23.1.
Variant type: single nucleotide variant.
Coding change: c.747C>A on transcript NM_021615.5 (MANE Select); coding-DNA position 747, C replaced by A.
Protein change: p.His249Gln; replaces histidine 249 with glutamine.
Molecular consequence: missense variant.
Genome position (GRCh38, 1-based): chr16:75,479,082, G>T on the plus strand (C>A on the coding strand, the complement: CHST6 is on the minus strand). VCF-style: chr16-75479082-G-T. GRCh37 (hg19) VCF-style: chr16-75512980-G-T.
Other names: short protein forms H249Q.
Identifiers: ClinVar variation 3907177 (VCV003907177.1).

ClinVar aggregate classification (germline): Uncertain significance (1 of 4 stars; one submission).

gnomAD v4.1: 1 of 1,605,696 alleles (0.000062%); highest among the groups gnomAD compares: East Asian, 0.0022%; no homozygotes.

Submission:

Women's Health and Genetics/Laboratory Corporation of America, LabCorp
Classification: Uncertain significance. Last evaluated: 2025-06-12. Review status: criteria provided, single submitter. Criteria: LabCorp Variant Classification Summary - May 2015. Collection method: clinical testing. Allele origin: germline.
Comment: Variant summary: CHST6 c.747C>A (p.His249Gln) results in a non-conservative amino acid change in the encoded protein sequence. Algorithms developed to predict the effect of missense changes on protein structure and function are either unavailable or do not agree on the potential impact of this missense change. The variant allele was found at a frequency of 4.2e-06 in 236158 control chromosomes. The available data on variant occurrences in the general population are insufficient to allow any conclusion about variant significance. To our knowledge, no occurrence of c.747C>A in individuals affected with Macular Corneal Dystrophy and no experimental evidence demonstrating its impact on protein function have been reported. No submitters have cited clinical-significance assessments for this variant to ClinVar. Based on the evidence outlined above, the variant was classified as uncertain significance.